The following is an entry in ClinVar:

ClinVar aggregate classification (germline): Uncertain significance (1 of 4 stars; one submission).

Submission:

Labcorp Genetics (formerly Invitae), Labcorp
Classification: Uncertain significance. Last evaluated: 2022-04-06. Review status: criteria provided, single submitter. Criteria: Invitae Variant Classification Sherloc (09022015). Collection method: clinical testing. Allele origin: germline.
Comment: In summary, the available evidence is currently insufficient to determine the role of this variant in disease. Therefore, it has been classified as a Variant of Uncertain Significance. Variants that disrupt the consensus splice site are a relatively common cause of aberrant splicing (PMID: 17576681, 9536098). Algorithms developed to predict the effect of sequence changes on RNA splicing suggest that this variant may disrupt the consensus splice site. Algorithms developed to predict the effect of missense changes on protein structure and function are either unavailable or do not agree on the potential impact of this missense change (SIFT: "Deleterious"; PolyPhen-2: "Probably Damaging"; Align-GVGD: "Class C0"). This missense change has been observed in individual(s) with clinical features of Cockayne syndrome (Invitae). In at least one individual the data is consistent with being in trans (on the opposite chromosome) from a pathogenic variant. This variant is not present in population databases (gnomAD no frequency). This sequence change replaces glutamine, which is neutral and polar, with histidine, which is basic and polar, at codon 347 of the ERCC8 protein (p.Gln347His). This variant also falls at the last nucleotide of exon 10, which is part of the consensus splice site for this exon.

Literature cited by the submitters: PubMed 17576681; PubMed 9536098.

NM_000082.4(ERCC8):c.1041G>C (p.Gln347His)

Gene: ERCC8 (ERCC excision repair 8, CSA ubiquitin ligase complex subunit; minus strand). Cytogenetic location: 5q12.1.
Variant type: single nucleotide variant.
Coding change: c.1041G>C on transcript NM_000082.4 (MANE Select); coding-DNA position 1041, G replaced by C.
Protein change: p.Gln347His; replaces glutamine 347 with histidine.
Molecular consequence: missense variant.
Genome position (GRCh38, 1-based): chr5:60,890,889, C>G on the plus strand (G>C on the coding strand, the complement: ERCC8 is on the minus strand). VCF-style: chr5-60890889-C-G. GRCh37 (hg19) VCF-style: chr5-60186716-C-G.
Other names: c.867G>C, p.Gln289His (NM_001007233.3); c.582G>C, p.Gln194His (NM_001290285.2); short protein forms Q289H, Q194H, Q347H.
Identifiers: ClinVar variation 2071521 (VCV002071521.4), dbSNP rs1748524884, ClinGen allele CA359823004.
Genomic context (GRCh38, chr5:60,890,889, plus strand): 5'-CATATAACTGGTCTGGCAAGCTAGCTAGCTGAACATTTTAAATTCCTGTATCACTCTTAC[C>G]TGGAAATTTGACTGAAATACACAGCAGTCAACAGTTTTATAATGTCCCTTAAGCATAGTT-3'
Protein context (NP_000073.1, residues 337-357): VDCCVFQSNF[Gln347His]ELYSGSRDCN